The following is an entry in ClinVar:

NM_130384.3(ATRIP):c.1846C>T (p.His616Tyr)

Genes: ATRIP (ATR interacting protein; plus strand), ATRIP-TREX1 (ATRIP-TREX1 readthrough; plus strand). Cytogenetic location: 3p21.31.
Variant type: single nucleotide variant.
Coding change: c.1846C>T on transcript NM_130384.3 (MANE Select); coding-DNA position 1846, C replaced by T.
Protein change: p.His616Tyr; replaces histidine 616 with tyrosine.
Molecular consequence: missense variant. On other transcripts: non-coding transcript variant (1).
Genome position (GRCh38, 1-based): chr3:48,463,845, C>T. VCF-style: chr3-48463845-C-T. GRCh37 (hg19) VCF-style: chr3-48505244-C-T.
Other names: c.1465C>T, p.His489Tyr (NM_001271022.2); c.1567C>T, p.His523Tyr (NM_001271023.2); c.1846C>T, p.His616Tyr (NM_032166.4); short protein forms H489Y, H523Y, H616Y.
Identifiers: ClinVar variation 4182551 (VCV004182551.1).
Genomic context (GRCh38, chr3:48,463,845, plus strand): 5'-CCAGAGACACCCCTGCCTAGCGTGCTGCTGGCTGTTGAGCTCCTCTCCCTGCTGGCGGAC[C>T]ACGACCAGCTGGCACCTCAGCTCTGTTCCCACTCAGGTAAAGCAGGGTGGGGCGGGCGTC-3'
Protein context (NP_569055.1, residues 606-626): AVELLSLLAD[His616Tyr]DQLAPQLCSH

ClinVar aggregate classification (germline): Uncertain significance (1 of 4 stars; one submission).

gnomAD v4.1: 4 of 1,614,132 alleles (0.00025%); highest among the groups gnomAD compares: South Asian, 0.0011%; no homozygotes.

Submission:

Ambry Genetics
Classification: Uncertain significance. Last evaluated: 2025-08-19. Review status: criteria provided, single submitter. Criteria: Ambry Variant Classification Scheme 2023. Collection method: clinical testing. Allele origin: germline.
Comment: The p.H616Y variant (also known as c.1846C>T), located in coding exon 9 of the ATRIP gene, results from a C to T substitution at nucleotide position 1846. The histidine at codon 616 is replaced by tyrosine, an amino acid with similar properties. This amino acid position is conserved. In addition, this alteration is predicted to be tolerated by in silico analysis. Based on the available evidence, the clinical significance of this variant remains unclear.